The following is an entry in ClinVar:

ClinVar aggregate classification (germline): Pathogenic/Likely pathogenic. Review status: criteria provided, multiple submitters, no conflicts (2 of 4 stars). 10 submissions from 10 submitters: Pathogenic (4); Likely pathogenic (6). Last evaluated 2025-08-29.

Conditions:
Infantile hypophosphatasia. Identifiers: Orphanet 247651, Orphanet 436, MedGen C0268412, MONDO:1010169, OMIM 241500, MONDO:0009427.
Adult hypophosphatasia. Identifiers: Orphanet 247676, Orphanet 436, MedGen C0268413, MONDO:1010154, OMIM 146300, MONDO:0007798.
Childhood hypophosphatasia. Identifiers: Orphanet 247667, Orphanet 436, MedGen C0220743, MONDO:1010168, OMIM 241510, MONDO:0009428.
Hypophosphatasia. Also called: Phosphoethanol-aminuria. Identifiers: Orphanet 436, MedGen C0020630, MeSH D007014, MONDO:0018570.

Allele frequency attached by ClinVar (database versions not stated): TOPMed 0.00001; gnomAD exomes 0.00002; ExAC 0.00003; gnomAD 0.00003; 1000 Genomes Project 30x 0.00016; 1000 Genomes Project 0.00020.
gnomAD v4.1: 8 of 1,614,242 alleles (0.0005%); highest among the groups gnomAD compares: East Asian, 0.0089%; no homozygotes.

Submissions (10):

Genomenon, Inc
Classification: Likely pathogenic for Hypophosphatasia. Last evaluated: 2025-08-29. Review status: criteria provided, single submitter. Criteria: Genomenon Sequence Variant Interpretation Standards. Collection method: curation. Allele origin: germline. Affected: yes.
Comment: ALPL c.1120G>A is a missense variant that changes the amino acid at residue 374 from Valine to Methionine. This variant has been observed in at least one proband affected with hypophosphatasia (PMID:20924064;31793067;37107680;30138938). Functional studies have been reported;however, the significance of the findings remain unclear (PMID:23509830). It is absent or not present at a significant frequency in gnomAD. In silico models agree that this variant is possibly or probably damaging. In conclusion, we classify ALPL p.Val374Met (c.1120G>A) as a likely pathogenic variant.

Natera, Inc.
Classification: Pathogenic for Hypophosphatasia. Last evaluated: 2025-05-02. Review status: criteria provided, single submitter. Criteria: Natera Variant Classification Schema (03/2026). Collection method: clinical testing. Allele origin: germline.
Comment: The c.1120G>A variant in ALPL is a missense variant predicted to cause substitution of valine to methionine at amino acid 374. This variant is rare in the general population with a frequency below the threshold expected for the associated phenotype(s). This variant has been observed in one or more individuals affected with the associated recessive disease, as either homozygous or compound heterozygous with a second variant (PMID: 20924064, 32160374, 30138938). Computational prediction algorithms indicate this variant is likely to affect gene or protein function. Given the available evidence, this variant is classified as Pathogenic.

JKU Lab, Dept of Paediatrics, Johannes Kepler University
Classification: Likely pathogenic for Hypophosphatasia. Last evaluated: 2024-06-11. Review status: criteria provided, single submitter. Criteria: ACMG Guidelines, 2015. Collection method: clinical testing. Allele origin: germline. Affected: yes.
Comment: The variant is present in GnomAD with a reported frequency of ƒ = 0.00001433 in the South Asian population (v4.0.0). The ACMG criteria applied can be looked up in the ALPL gene variant database.

Fulgent Genetics
Classification: Likely pathogenic for Adult hypophosphatasia; Infantile hypophosphatasia; Childhood hypophosphatasia. Last evaluated: 2024-04-16. Review status: criteria provided, single submitter. Criteria: ACMG Guidelines, 2015. Collection method: clinical testing. Allele origin: germline.

Baylor Genetics
Classification: Likely pathogenic for Adult hypophosphatasia. Last evaluated: 2023-11-20. Review status: criteria provided, single submitter. Criteria: ACMG Guidelines, 2015. Collection method: clinical testing. Allele origin: unknown.

Revvity Omics, Revvity
Classification: Pathogenic. Last evaluated: 2023-10-10. Review status: criteria provided, single submitter. Criteria: ACMG Guidelines, 2015. Collection method: clinical testing. Allele origin: germline.

Women's Health and Genetics/Laboratory Corporation of America, LabCorp
Classification: Likely pathogenic for Hypophosphatasia. Last evaluated: 2023-10-05. Review status: criteria provided, single submitter. Criteria: LabCorp Variant Classification Summary - May 2015. Collection method: clinical testing. Allele origin: germline.
Comment: Variant summary: ALPL c.1120G>A (p.Val374Met) results in a conservative amino acid change in the encoded protein sequence. Three of five in-silico tools predict a damaging effect of the variant on protein function. The variant allele was found at a frequency of 1.6e-05 in 251494 control chromosomes (gnomAD). c.1120G>A has been reported in the literature in the compound heterozygous state in individuals, predominantly children, affected with and/or with features of Autosomal Recessive Hypophosphatasia, including at least one case were it was confirmed to be in trans with a pathogenic variant also associated with an autosomal recessive inheritance pattern (e.g. Liu_2010, Huang_2018, Del Angel_2020). The variant has also been reported in the heterozygous state in at least two adults with persistent hypophosphatasaemia (e.g. Alonso_2020, Tornero_2022). These data indicate that the variant is likely to be associated with disease. At least two publications report experimental evidence evaluating an impact on protein function (Zhu_2012, Del Angel_2020). The most pronounced variant effect results in approximately 60% of alkaline phosphatase activity and 75% mineralization ability compared to the wild type protein (Zhu_2012). The following publications have been ascertained in the context of this evaluation (PMID: 32160374, 30138938, 20924064, 35241128, 23509830, 31793067). Two submitters have cited clinical-significance assessments for this variant to ClinVar after 2014 and both classified the variant as pathogenic/likely pathogenic. Based on the evidence outlined above, the variant was classified as likely pathogenic.

Labcorp Genetics (formerly Invitae), Labcorp
Classification: Pathogenic. Last evaluated: 2023-08-17. Review status: criteria provided, single submitter. Criteria: Invitae Variant Classification Sherloc (09022015). Collection method: clinical testing. Allele origin: germline.
Comment: For these reasons, this variant has been classified as Pathogenic. Experimental studies have shown that this missense change affects ALPL function (PMID: 23509830). Advanced modeling of protein sequence and biophysical properties (such as structural, functional, and spatial information, amino acid conservation, physicochemical variation, residue mobility, and thermodynamic stability) performed at Invitae indicates that this missense variant is expected to disrupt ALPL protein function. ClinVar contains an entry for this variant (Variation ID: 1455037). This missense change has been observed in individual(s) with autosomal recessive hypophosphatasia (PMID: 20924064, 23509830, 30138938). In at least one individual the data is consistent with being in trans (on the opposite chromosome) from a pathogenic variant. This variant is present in population databases (rs552831415, gnomAD 0.02%). This sequence change replaces valine, which is neutral and non-polar, with methionine, which is neutral and non-polar, at codon 374 of the ALPL protein (p.Val374Met).

3billion
Classification: Likely pathogenic for Infantile hypophosphatasia. Last evaluated: 2023-07-26. Review status: criteria provided, single submitter. Criteria: ACMG Guidelines, 2015. Collection method: clinical testing. Allele origin: germline. Affected: yes.
Comment: The variant is observed at an extremely low frequency in the gnomAD v2.1.1 dataset (total allele frequency: 0.002%). Predicted Consequence/Location: Missense variant In silico tool predictions suggest damaging effect of the variant on gene or gene product (REVEL: 0.84; 3Cnet: 0.94). Same nucleotide change resulting in same amino acid change has been previously reported as pathogenic/likely pathogenic with strong evidence (ClinVar ID: VCV001455037). Therefore, this variant is classified as Likely pathogenic according to the recommendation of ACMG/AMP guideline.

Juno Genomics, Hangzhou Juno Genomics, Inc
Classification: Pathogenic for Adult hypophosphatasia; Childhood hypophosphatasia; Infantile hypophosphatasia. Review status: criteria provided, single submitter. Criteria: ACMG Guidelines, 2015. Collection method: clinical testing. Allele origin: germline.
Comment: Absent from controls (or at extremely low frequency if recessive) in Genome Aggregation Database.;For recessive disorders, detected in trans with a pathogenic variant.;The prevalence of the variant in affected individuals is significantly increased compared to the prevalence in controls.;Well-established in vitro or in vivo functional studies supportive of a damaging effect on the gene or gene product.

Literature cited by the submitters: PubMed 20924064 (cited by 4 submitters); PubMed 31793067 (cited by Genomenon, Inc and Women's Health and Genetics/Laboratory Corporation of America, LabCorp); PubMed 37107680 (cited by Genomenon, Inc and JKU Lab, Dept of Paediatrics, Johannes Kepler University); PubMed 30138938 (cited by 5 submitters); PubMed 23509830 (cited by 3 submitters); PubMed 32160374 (cited by Natera, Inc. and Women's Health and Genetics/Laboratory Corporation of America, LabCorp); PubMed 35241128 (cited by Women's Health and Genetics/Laboratory Corporation of America, LabCorp).

NM_000478.6(ALPL):c.1120G>A (p.Val374Met)

Gene: ALPL (alkaline phosphatase, biomineralization associated; plus strand). Cytogenetic location: 1p36.12.
Variant type: single nucleotide variant.
Coding change: c.1120G>A on transcript NM_000478.6 (MANE Select); coding-DNA position 1120, G replaced by A.
Protein change: p.Val374Met; replaces valine 374 with methionine.
Molecular consequence: missense variant.
Genome position (GRCh38, 1-based): chr1:21,575,855, G>A. VCF-style: chr1-21575855-G-A. GRCh37 (hg19) VCF-style: chr1-21902348-G-A.
Other names: c.955G>A, p.Val319Met (NM_001127501.4); c.889G>A, p.Val297Met (NM_001177520.3); c.1120G>A, p.Val374Met (NM_001369803.2, NM_001369804.2, NM_001369805.2); c.1120G>A (NM_000478.5); short protein forms V297M, V319M, V374M.
Identifiers: ClinVar variation 1455037 (VCV001455037.21), dbSNP rs552831415, ClinGen allele CA666735.
Genomic context (GRCh38, chr1:21,575,855, plus strand): 5'-GAGATGGACCGGGCCATCGGGCAGGCAGGCAGCTTGACCTCCTCGGAAGACACTCTGACC[G>A]TGGTCACTGCGGACCATTCCCACGTCTTCACATTTGGTGGATACACCCCCCGTGGCAACT-3'
Protein context (NP_000469.3, residues 364-384): SLTSSEDTLT[Val374Met]VTADHSHVFT